The following is an entry in ClinVar:

ClinVar aggregate classification (germline): Uncertain significance (1 of 4 stars; one submission).

Allele frequency attached by ClinVar (database versions not stated): ExAC 0.00001; gnomAD 0.00001; gnomAD exomes 0.00001 and 0.00002; TOPMed 0.00001.
gnomAD v4.1: 12 of 1,613,086 alleles (0.00074%); highest among the groups gnomAD compares: Admixed American, 0.0033%; no homozygotes.

Submission:

Labcorp Genetics (formerly Invitae), Labcorp
Classification: Uncertain significance. Last evaluated: 2022-09-13. Review status: criteria provided, single submitter. Criteria: Invitae Variant Classification Sherloc (09022015). Collection method: clinical testing. Allele origin: germline.
Comment: This sequence change replaces proline with leucine at codon 32 of the SEC24D protein (p.Pro32Leu). The proline residue is moderately conserved and there is a moderate physicochemical difference between proline and leucine. This variant is present in population databases (rs753308105, gnomAD 0.004%). This variant has not been reported in the literature in individuals affected with SEC24D-related conditions. ClinVar contains an entry for this variant (Variation ID: 1503305). Algorithms developed to predict the effect of missense changes on protein structure and function are either unavailable or do not agree on the potential impact of this missense change (SIFT: "Not Available"; PolyPhen-2: "Possibly Damaging"; Align-GVGD: "Not Available"). In summary, the available evidence is currently insufficient to determine the role of this variant in disease. Therefore, it has been classified as a Variant of Uncertain Significance.

NM_014822.4(SEC24D):c.95C>T (p.Pro32Leu)

Gene: SEC24D (SEC24 homolog D, COPII coat complex component; minus strand). Cytogenetic location: 4q26.
Variant type: single nucleotide variant.
Coding change: c.95C>T on transcript NM_014822.4 (MANE Select); coding-DNA position 95, C replaced by T.
Protein change: p.Pro32Leu; replaces proline 32 with leucine.
Molecular consequence: missense variant.
Genome position (GRCh38, 1-based): chr4:118,833,602, G>A on the plus strand (C>T on the coding strand, the complement: SEC24D is on the minus strand). VCF-style: chr4-118833602-G-A. GRCh37 (hg19) VCF-style: chr4-119754757-G-A.
Other names: c.95C>T, p.Pro32Leu (NM_001318066.2); short protein forms P32L.
Identifiers: ClinVar variation 1503305 (VCV001503305.3), dbSNP rs753308105, ClinGen allele CA3057653.
Genomic context (GRCh38, chr4:118,833,602, plus strand): 5'-TGAATAATCACATACAAGTCAAAATAACACACTGTACCTGTTGGAGATGCTGTGTGCGAC[G>A]GATCCCCATAGTGCCCATAATGAGGTGGAGAAAGGCCTATTCCAGGCTGAGGCTGAGAAT-3'
Protein context (NP_055637.2, residues 22-42): SPPHYGHYGD[Pro32Leu]SHTASPTGMM